The following is an entry in ClinVar:

ClinVar aggregate classification (germline): Uncertain significance (1 of 4 stars; one submission).

Allele frequency attached by ClinVar (database versions not stated): ExAC 0.00001; gnomAD 0.00001; gnomAD exomes 0.00001; TOPMed 0.00001.

Submission:

Labcorp Genetics (formerly Invitae), Labcorp
Classification: Uncertain significance. Last evaluated: 2021-04-24. Review status: criteria provided, single submitter. Criteria: Invitae Variant Classification Sherloc (09022015). Collection method: clinical testing. Allele origin: germline.
Comment: In summary, the available evidence is currently insufficient to determine the role of this variant in disease. Therefore, it has been classified as a Variant of Uncertain Significance. Algorithms developed to predict the effect of missense changes on protein structure and function output the following: SIFT: "Tolerated"; PolyPhen-2: "Benign"; Align-GVGD: "Class C0". The alanine amino acid residue is found in multiple mammalian species, suggesting that this missense change does not adversely affect protein function. These predictions have not been confirmed by published functional studies and their clinical significance is uncertain. This variant has not been reported in the literature in individuals with CABP4-related conditions. This variant is present in population databases (rs779246075, ExAC 0.01%). This sequence change replaces threonine with alanine at codon 2 of the CABP4 protein (p.Thr2Ala). The threonine residue is weakly conserved and there is a small physicochemical difference between threonine and alanine.

NM_145200.5(CABP4):c.4A>G (p.Thr2Ala)

Gene: CABP4 (calcium binding protein 4; plus strand). Cytogenetic location: 11q13.2.
Variant type: single nucleotide variant.
Coding change: c.4A>G on transcript NM_145200.5 (MANE Select); coding-DNA position 4, A replaced by G.
Protein change: p.Thr2Ala; replaces threonine 2 with alanine.
Molecular consequence: missense variant. On other transcripts: 5 prime UTR variant (1), non-coding transcript variant (1), intron variant (2).
Genome position (GRCh38, 1-based): chr11:67,455,427, A>G. VCF-style: chr11-67455427-A-G. GRCh37 (hg19) VCF-style: chr11-67222898-A-G.
Other names: c.-380A>G (NM_001300895.3); c.-387-7A>G (NM_001379183.1); c.-112-282A>G (NM_001300896.3); short protein forms T2A.
Identifiers: ClinVar variation 1390659 (VCV001390659.8), dbSNP rs779246075, ClinGen allele CA6140051.